The following is an entry in ClinVar:

ClinVar aggregate classification (germline): Uncertain significance. Review status: criteria provided, multiple submitters, no conflicts (2 of 4 stars). 2 submissions from 2 submitters: Uncertain significance (2). Last evaluated 2024-10-07.

Conditions:
Developmental and epileptic encephalopathy, 27 (DEE27). Also called: Epileptic encephalopathy, early infantile, 27; GRIN2B-Related Neurodevelopmental Disorder. Identifiers: Orphanet 3451, MedGen C4015316, MONDO:0014505, OMIM 616139.
Intellectual developmental disorder, autosomal dominant 6, with or without seizures. Also called: Intellectual disability, autosomal dominant 6; GRIN2B-related developmental delay, intellectual disability and autism spectrum disorder. Identifiers: Orphanet 589547, MedGen C3151411, MONDO:0013509, OMIM 613970.

Submissions (2):

Clinical Genomics Laboratory, Washington University in St. Louis
Classification: Uncertain significance for Developmental and epileptic encephalopathy, 27; Intellectual developmental disorder, autosomal dominant 6, with or without seizures. Last evaluated: 2024-10-07. Review status: criteria provided, single submitter. Criteria: ACMG Guidelines, 2015. Collection method: clinical testing. Allele origin: germline.
Comment: The GRIN2B c.233C>G (p.Pro78Arg) variant, to our knowledge, has not been reported in the medical literature. This variant is absent from the general population (gnomAD v.2.1.1), indicating it is not a common variant. Computational predictors indicate that the variant is damaging, evidence that correlates with impact to GRIN2B function. Due to limited information, and based on ACMG/AMP guidelines for variant interpretation (Richards S et al., PMID: 25741868), the clinical significance of this variant is uncertain at this time.

GeneDx
Classification: Uncertain significance. Last evaluated: 2024-04-04. Review status: criteria provided, single submitter. Criteria: GeneDx Variant Classification Process June 2021. Collection method: clinical testing. Allele origin: germline. Affected: yes.
Comment: Not observed at significant frequency in large population cohorts (gnomAD); In silico analysis supports that this missense variant has a deleterious effect on protein structure/function; Has not been previously published as pathogenic or benign to our knowledge

NM_000834.5(GRIN2B):c.233C>G (p.Pro78Arg)

Gene: GRIN2B (glutamate ionotropic receptor NMDA type subunit 2B; minus strand). Cytogenetic location: 12p13.1.
Variant type: single nucleotide variant.
Coding change: c.233C>G on transcript NM_000834.5 (MANE Select); coding-DNA position 233, C replaced by G.
Protein change: p.Pro78Arg; replaces proline 78 with arginine.
Molecular consequence: missense variant.
Genome position (GRCh38, 1-based): chr12:13,865,976, G>C on the plus strand (C>G on the coding strand, the complement: GRIN2B is on the minus strand). VCF-style: chr12-13865976-G-C. GRCh37 (hg19) VCF-style: chr12-14018910-G-C.
Other names: c.233C>G, p.Pro78Arg (NM_001413992.1, NM_001413993.1, NM_001413994.1 and 1 more transcripts); short protein forms P78R.
Identifiers: ClinVar variation 3371851 (VCV003371851.2).
Genomic context (GRCh38, chr12:13,865,976, plus strand): 5'-ACCACCCCCTGGATCTTCCGGTCAGACATGAGATCACAGATGCGGGTGATGATGCTCTTT[G>C]GGTCGGTCTCATTCATGGCTACCAGTTCCACCCGGGGTACCACGGAGAGATGGTGGAAAT-3'
Protein context (NP_000825.2, residues 68-88): VELVAMNETD[Pro78Arg]KSIITRICDL